The following is an entry in ClinVar:

NM_130849.4(SLC39A4):c.1589C>A (p.Ser530Ter)

Gene: SLC39A4 (solute carrier family 39 member 4; minus strand). Cytogenetic location: 8q24.3.
Variant type: single nucleotide variant.
Coding change: c.1589C>A on transcript NM_130849.4 (MANE Select); coding-DNA position 1589, C replaced by A.
Protein change: p.Ser530Ter; replaces serine 530 with a stop codon.
Molecular consequence: nonsense.
Genome position (GRCh38, 1-based): chr8:144,413,275, G>T on the plus strand (C>A on the coding strand, the complement: SLC39A4 is on the minus strand). VCF-style: chr8-144413275-G-T. GRCh37 (hg19) VCF-style: chr8-145638659-G-T.
Other names: c.95C>A, p.Ser32Ter (NM_001280557.2); c.1307C>A, p.Ser436Ter (NM_001374839.1); c.1514C>A, p.Ser505Ter (NM_017767.3); short protein forms S32*, S436*, S505*, S530*.
Identifiers: ClinVar variation 4879850 (VCV004879850.1).

ClinVar aggregate classification (germline): Likely pathogenic (1 of 4 stars; one submission).

Conditions:
Hereditary acrodermatitis enteropathica (AEZ). Also called: Acrodermatitis enteropathica. Identifiers: Orphanet 37, MedGen C0221036, MONDO:0008713, OMIM 201100.

Submission:

MVZ Medizinische Genetik Mainz
Classification: Likely pathogenic for Hereditary acrodermatitis enteropathica. Last evaluated: 2026-06-25. Review status: criteria provided, single submitter. Criteria: UK Practice Guidelines For Variant Classification V4 01 2020. Collection method: clinical testing. Allele origin: germline. Inheritance: Autosomal recessive inheritance. Affected: yes. Observed: 1 variant allele.
Comment: ACMG Criteria: PVS1,PM2_SUP